The following is an entry in ClinVar:

ClinVar aggregate classification (germline): Uncertain significance. Review status: criteria provided, multiple submitters, no conflicts (2 of 4 stars). 2 submissions from 2 submitters: Uncertain significance (2). Last evaluated 2025-10-01.

Conditions:
Hereditary cancer-predisposing syndrome. Also called: Hereditary Cancer Syndrome; Hereditary neoplastic syndrome; Neoplastic Syndromes, Hereditary; Tumor predisposition. Identifiers: Orphanet 140162, MedGen C0027672, MeSH D009386, MONDO:0015356.
Familial adenomatous polyposis 2. Also called: MUTYH-associated polyposis; MUTYH-related attenuated familial adenomatous polyposis; FAP type 2; Adenomas, multiple colorectal; MYH-associated polyposis; MUTYH Polyposis. Identifiers: Orphanet 220460, Orphanet 247798, MedGen C3272841, MONDO:0012041, OMIM 608456.

Submissions (2):

Labcorp Genetics (formerly Invitae), Labcorp
Classification: Uncertain significance for Familial adenomatous polyposis 2. Last evaluated: 2025-10-01. Review status: criteria provided, single submitter. Criteria: Invitae Variant Classification Sherloc (09022015). Collection method: clinical testing. Allele origin: germline.
Comment: This sequence change replaces glycine, which is neutral and non-polar, with serine, which is neutral and polar, at codon 176 of the MUTYH protein (p.Gly176Ser). This variant is present in population databases (no rsID available, gnomAD 0.003%). This variant has not been reported in the literature in individuals affected with MUTYH-related conditions. ClinVar contains an entry for this variant (Variation ID: 1746501). An algorithm developed to predict the effect of missense changes on protein structure and function (PolyPhen-2) suggests that this variant is likely to be disruptive. In summary, the available evidence is currently insufficient to determine the role of this variant in disease. Therefore, it has been classified as a Variant of Uncertain Significance.

Ambry Genetics
Classification: Uncertain significance for Hereditary cancer-predisposing syndrome. Last evaluated: 2022-04-10. Review status: criteria provided, single submitter. Criteria: Ambry Variant Classification Scheme 2023. Collection method: clinical testing. Allele origin: germline.
Comment: The p.G176S variant (also known as c.526G>A), located in coding exon 7 of the MUTYH gene, results from a G to A substitution at nucleotide position 526. The glycine at codon 176 is replaced by serine, an amino acid with similar properties. This amino acid position is conserved. In addition, this alteration is predicted to be deleterious by in silico analysis. Since supporting evidence is limited at this time, the clinical significance of this alteration remains unclear.

NM_001048174.2(MUTYH):c.442G>A (p.Gly148Ser)

Gene: MUTYH (mutY DNA glycosylase; minus strand). Cytogenetic location: 1p34.1.
Variant type: single nucleotide variant.
Coding change: c.442G>A on transcript NM_001048174.2 (MANE Select); coding-DNA position 442, G replaced by A.
Protein change: p.Gly148Ser; replaces glycine 148 with serine.
Molecular consequence: missense variant. On other transcripts: non-coding transcript variant (2).
Genome position (GRCh38, 1-based): chr1:45,332,813, C>T on the plus strand (G>A on the coding strand, the complement: MUTYH is on the minus strand). VCF-style: chr1-45332813-C-T. GRCh37 (hg19) VCF-style: chr1-45798485-C-T.
Other names: c.442G>A, p.Gly148Ser (NM_001048171.2, NM_001048173.2, NM_001407072.1 and 6 more transcripts); c.445G>A, p.Gly149Ser (NM_001048172.2, NM_001407078.1, NM_001407086.1 and 1 more transcripts); c.526G>A, p.Gly176Ser (NM_001128425.2); c.358G>A, p.Gly120Ser (NM_001407075.1); c.475G>A, p.Gly159Ser (NM_001407077.1, NM_001293191.2, NM_001407069.1); c.403G>A, p.Gly135Ser (NM_001407079.1); c.400G>A, p.Gly134Ser (NM_001407080.1); c.97G>A, p.Gly33Ser (NM_001407082.1, NM_001350650.2, NM_001350651.2); and 5 more; short protein forms G135S, G159S, G173S, G148S, G149S, G134S, G155S, G162S.
Identifiers: ClinVar variation 1746501 (VCV001746501.5), dbSNP rs1470545731, ClinGen allele CA340135771.